The following is an entry in ClinVar:

ClinVar aggregate classification (germline): Benign (1 of 4 stars; one submission).

Allele frequency attached by ClinVar (database versions not stated): 1000 Genomes Project 30x 0.04466; 1000 Genomes Project 0.04473; TOPMed 0.08048; gnomAD 0.08606 and 0.08738.
gnomAD v4.1: 13,063 of 152,166 alleles (8.6%); highest among the groups gnomAD compares: Non-Finnish European, 12%; 667 homozygotes.

Submission:

GeneDx
Classification: Benign. Last evaluated: 2018-06-14. Review status: criteria provided, single submitter. Criteria: GeneDx Variant Classification (06012015). Collection method: clinical testing. Allele origin: germline. Affected: yes.
Comment: This variant is considered likely benign or benign based on one or more of the following criteria: it is a conservative change, it occurs at a poorly conserved position in the protein, it is predicted to be benign by multiple in silico algorithms, and/or has population frequency not consistent with disease.

NM_022114.4(PRDM16):c.2604-237C>T

Gene: PRDM16 (PR/SET domain 16; plus strand). Cytogenetic location: 1p36.32.
Variant type: single nucleotide variant.
Coding change: c.2604-237C>T on transcript NM_022114.4 (MANE Select); 237 bases into the intron before coding-DNA position 2604, C replaced by T.
Molecular consequence: intron variant.
Genome position (GRCh38, 1-based): chr1:3,414,323, C>T. VCF-style: chr1-3414323-C-T. GRCh37 (hg19) VCF-style: chr1-3330887-C-T.
Other names: c.2604-237C>T (NM_199454.3).
Identifiers: ClinVar variation 678587 (VCV000678587.1), dbSNP rs56353807, ClinGen allele CA10961547.